The following is an entry in ClinVar:

ClinVar aggregate classification (germline): Uncertain significance. Review status: criteria provided, multiple submitters, no conflicts (2 of 4 stars). 15 submissions from 14 submitters: Uncertain significance (13). 2 of the submissions do not count toward it. Last evaluated 2026-09-08.

Conditions:
HSD17B4-related disorder. Also called: HSD17B4-related disorders; HSD17B4-related condition.
Perrault syndrome. Also called: Gonadal dysgenesis with auditory dysfunction, autosomal recessive inheritance. Identifiers: Orphanet 2855, MedGen C0685838, MONDO:0017312.
Bifunctional peroxisomal enzyme deficiency (DBIF). Also called: DBP DEFICIENCY; PBFE DEFICIENCY; D-bifunctional protein deficiency. Identifiers: Orphanet 300, MedGen C0342870, MONDO:0009855, OMIM 261515. Disease mechanism: loss of function.
Inborn genetic diseases. Identifiers: MedGen C0950123, MeSH D030342.
Perrault syndrome 1 (PRLTS1). Also called: GONADAL DYSGENESIS, XX TYPE, WITH DEAFNESS; OVARIAN DYSGENESIS WITH SENSORINEURAL DEAFNESS. Identifiers: Orphanet 2855, Orphanet 642945, MedGen C4551721, MONDO:0009300, OMIM 233400.

Allele frequency attached by ClinVar (database versions not stated): ESP Exome Variant Server 0.00008; ExAC 0.00010; gnomAD exomes 0.00012; TOPMed 0.00014; gnomAD 0.00016 and 0.00018.
gnomAD v4.1: 203 of 1,602,684 alleles (0.013%); highest among the groups gnomAD compares: Middle Eastern, 0.033%; no homozygotes.

Submissions (15):

PreventionGenetics, part of Exact Sciences
Classification: Uncertain significance for HSD17B4-related condition. Last evaluated: 2026-09-08. Review status: criteria provided, single submitter. Criteria: ACMG Guidelines, 2015. Collection method: clinical testing. Allele origin: germline.
Comment: The HSD17B4 c.1417C>T variant is predicted to result in the amino acid substitution p.Arg473Trp. This variant has been previously reported in the homozygous state in two individuals with arthrogryposis (Pehlivan et al 2019. PubMed ID: 31230720). This variant is reported in 36 alleles out of 282826 alleles in gnomAD. At this time, the clinical significance of this variant is uncertain due to the absence of conclusive functional and genetic evidence.

Women's Health and Genetics/Laboratory Corporation of America, LabCorp
Classification: Uncertain significance. Last evaluated: 2025-12-08. Review status: criteria provided, single submitter. Criteria: LabCorp Variant Classification Summary - May 2015. Collection method: clinical testing. Allele origin: germline.
Comment: Variant summary: HSD17B4 c.1417C>T (p.Arg473Trp) results in a non-conservative amino acid change in the encoded protein sequence. Algorithms developed to predict the effect of missense changes on protein structure and function all suggest that this variant is likely to be disruptive. The variant allele was found at a frequency of 0.00012 in 251446 control chromosomes. This frequency is not significantly higher than estimated for disease-causing variants in HSD17B4, allowing no conclusion about variant significance. c.1417C>T has been observed in the homozygous state in an individual affected with arthrogryposis (Pehlivan_2019). However, to our knowledge, no occurrence of c.1417C>T in individuals affected with HSD17B4-related conditions and no experimental evidence demonstrating its impact on protein function have been reported. The following publication has been ascertained in the context of this evaluation (PMID: 31230720). ClinVar contains an entry for this variant (Variation ID: 252564). Based on the evidence outlined above, the variant was classified as uncertain significance.

GeneDx
Classification: Uncertain significance. Last evaluated: 2025-05-20. Review status: criteria provided, single submitter. Criteria: GeneDx Variant Classification Process June 2021. Collection method: clinical testing. Allele origin: germline. Affected: yes.
Comment: In silico analysis supports that this missense variant has a deleterious effect on protein structure/function; This variant is associated with the following publications: (PMID: 34426522, 31230720)

Blueprint Genetics
Classification: Uncertain significance. Last evaluated: 2024-08-13. Review status: criteria provided, single submitter. Criteria: ACMG Guidelines, 2015. Collection method: clinical testing. Allele origin: germline.

Ambry Genetics
Classification: Uncertain significance for Inborn genetic diseases. Last evaluated: 2022-11-03. Review status: criteria provided, single submitter. Criteria: Ambry Variant Classification Scheme 2023. Collection method: clinical testing. Allele origin: germline.

Labcorp Genetics (formerly Invitae), Labcorp
Classification: Uncertain significance for Perrault syndrome; Bifunctional peroxisomal enzyme deficiency. Last evaluated: 2022-09-01. Review status: criteria provided, single submitter. Criteria: Invitae Variant Classification Sherloc (09022015). Collection method: clinical testing. Allele origin: germline.
Comment: This sequence change replaces arginine, which is basic and polar, with tryptophan, which is neutral and slightly polar, at codon 473 of the HSD17B4 protein (p.Arg473Trp). This variant is present in population databases (rs201455193, gnomAD 0.02%). This variant has not been reported in the literature in individuals affected with HSD17B4-related conditions. ClinVar contains an entry for this variant (Variation ID: 252564). Advanced modeling of protein sequence and biophysical properties (such as structural, functional, and spatial information, amino acid conservation, physicochemical variation, residue mobility, and thermodynamic stability) performed at Invitae indicates that this missense variant is expected to disrupt HSD17B4 protein function. In summary, the available evidence is currently insufficient to determine the role of this variant in disease. Therefore, it has been classified as a Variant of Uncertain Significance.

Fulgent Genetics
Classification: Uncertain significance for Perrault syndrome 1; Bifunctional peroxisomal enzyme deficiency. Last evaluated: 2021-11-24. Review status: criteria provided, single submitter. Criteria: ACMG Guidelines, 2015. Collection method: clinical testing. Allele origin: unknown.

Genome-Nilou Lab
Classification: Uncertain significance for Bifunctional peroxisomal enzyme deficiency. Last evaluated: 2021-05-18. Review status: criteria provided, single submitter. Criteria: ACMG Guidelines, 2015. Collection method: clinical testing. Allele origin: germline. Affected: no.

Revvity Omics, Revvity
Classification: Uncertain significance. Last evaluated: 2021-02-28. Review status: criteria provided, single submitter. Criteria: ACMG Guidelines, 2015. Collection method: clinical testing. Allele origin: germline.

Eurofins Ntd Llc (ga)
Classification: Uncertain significance. Last evaluated: 2018-05-24. Review status: criteria provided, single submitter. Criteria: EGL ClinVar v180209 classification definitions. Collection method: clinical testing. Allele origin: germline. Observed: 1 variant allele, 1 heterozygote.

Illumina Laboratory Services, Illumina
Classification: Uncertain significance for Bifunctional peroxisomal enzyme deficiency. Last evaluated: 2018-01-13. Review status: criteria provided, single submitter. Criteria: ICSL Variant Classification Criteria 13 December 2019. Collection method: clinical testing. Allele origin: germline.

Illumina Laboratory Services, Illumina
Classification: Uncertain significance for Perrault syndrome 1. Last evaluated: 2018-01-13. Review status: criteria provided, single submitter. Criteria: ICSL Variant Classification Criteria 13 December 2019. Collection method: clinical testing. Allele origin: germline.

Genomic Diagnostic Laboratory, Division of Genomic Diagnostics, Children's Hospital of Philadelphia
Classification: Uncertain significance. Last evaluated: 2015-10-16. Review status: criteria provided, single submitter. Criteria: DGD Variant Analysis Guidelines. Collection method: clinical testing. Allele origin: unknown.

Natera, Inc.
Classification: Uncertain significance for Bifunctional peroxisomal enzyme deficiency. Last evaluated: 2019-12-30. Review status: no assertion criteria provided. Collection method: clinical testing. Allele origin: germline. Not counted in ClinVar's aggregate classification.

Lupski Lab, Baylor-Hopkins CMG, Baylor College of Medicine
Classification: Uncertain significance for Bifunctional peroxisomal enzyme deficiency. Review status: no assertion criteria provided. Collection method: research. Allele origin: inherited. Inheritance: Autosomal recessive inheritance. Affected: yes. Observed: 4 variant alleles, 2 heterozygotes, 2 homozygotes. Not counted in ClinVar's aggregate classification.

Literature cited by the submitters: PubMed 31230720 (cited by Women's Health and Genetics/Laboratory Corporation of America, LabCorp and Ambry Genetics).

NM_000414.4(HSD17B4):c.1417C>T (p.Arg473Trp)

Gene: HSD17B4 (hydroxysteroid 17-beta dehydrogenase 4; plus strand). Cytogenetic location: 5q23.1.
Variant type: single nucleotide variant.
Coding change: c.1417C>T on transcript NM_000414.4 (MANE Select); coding-DNA position 1417, C replaced by T.
Protein change: p.Arg473Trp; replaces arginine 473 with tryptophan.
Molecular consequence: missense variant.
Genome position (GRCh38, 1-based): chr5:119,509,224, C>T. VCF-style: chr5-119509224-C-T. GRCh37 (hg19) VCF-style: chr5-118844919-C-T.
Other names: c.1492C>T, p.Arg498Trp (NM_001199291.3); c.1363C>T, p.Arg455Trp (NM_001199292.2); c.1345C>T, p.Arg449Trp (NM_001292027.2); c.997C>T, p.Arg333Trp (NM_001292028.2); short protein forms R473W, R498W, R333W, R449W, R455W.
Identifiers: ClinVar variation 252564 (VCV000252564.26), dbSNP rs201455193, ClinGen allele CA3382222.